The following is an entry in ClinVar:

ClinVar aggregate classification (germline): Benign (1 of 4 stars; one submission).

Conditions:
Sessile serrated polyposis cancer syndrome (SSPCS). Identifiers: Orphanet 157798, MedGen C4310714, MONDO:0014919, OMIM 617108.

Submission:

Myriad Genetics, Inc.
Classification: Benign for Sessile serrated polyposis cancer syndrome. Last evaluated: 2026-06-29. Review status: criteria provided, single submitter. Criteria: Myriad Autosomal Dominant, Autosomal Recessive and X-Linked Classification Criteria (2023). Collection method: clinical testing. Allele origin: unknown.
Comment: This variant is considered benign. This variant is a silent/synonymous amino acid change and it is not expected to impact splicing.

NM_017763.6(RNF43):c.426T>C (p.Thr142=)

Gene: RNF43 (ring finger protein 43; minus strand). Cytogenetic location: 17q22.
Variant type: single nucleotide variant.
Coding change: c.426T>C on transcript NM_017763.6 (MANE Select); coding-DNA position 426, T replaced by C.
Protein change: p.Thr142=; no amino-acid change (threonine 142 retained).
Molecular consequence: synonymous variant.
Genome position (GRCh38, 1-based): chr17:58,363,550, A>G on the plus strand (T>C on the coding strand, the complement: RNF43 is on the minus strand). VCF-style: chr17-58363550-A-G. GRCh37 (hg19) VCF-style: chr17-56440911-A-G.
Other names: c.426T>C, p.Thr142= (NM_001305544.3, NM_001438820.1, NM_001438821.1 and 1 more transcripts); c.45T>C, p.Thr15= (NM_001305545.2, NM_001437987.1).
Identifiers: ClinVar variation 4875953 (VCV004875953.1).